The following is an entry in ClinVar:

ClinVar aggregate classification (germline): Uncertain significance (1 of 4 stars; one submission).

Conditions:
Inborn genetic diseases. Identifiers: MedGen C0950123, MeSH D030342.

Submission:

Ambry Genetics
Classification: Uncertain significance for Inborn genetic diseases. Last evaluated: 2026-03-17. Review status: criteria provided, single submitter. Criteria: Ambry Variant Classification Scheme 2023. Collection method: clinical testing. Allele origin: germline.
Comment: The p.D552E variant (also known as c.1656C>A), located in coding exon 7 of the SH2B3 gene, results from a C to A substitution at nucleotide position 1656. The aspartic acid at codon 552 is replaced by glutamic acid, an amino acid with highly similar properties. This amino acid position is conserved. In addition, this alteration is predicted to be tolerated by in silico analysis. Based on the available evidence, the clinical significance of this variant remains unclear.

NM_005475.3(SH2B3):c.1656C>A (p.Asp552Glu)

Gene: SH2B3 (SH2B adaptor protein 3; plus strand). Cytogenetic location: 12q24.12.
Variant type: single nucleotide variant.
Coding change: c.1656C>A on transcript NM_005475.3 (MANE Select); coding-DNA position 1656, C replaced by A.
Protein change: p.Asp552Glu; replaces aspartic acid 552 with glutamic acid.
Molecular consequence: missense variant.
Genome position (GRCh38, 1-based): chr12:111,448,230, C>A. VCF-style: chr12-111448230-C-A. GRCh37 (hg19) VCF-style: chr12-111886034-C-A.
Other names: c.1050C>A, p.Asp350Glu (NM_001291424.1); short protein forms D350E, D552E.
Identifiers: ClinVar variation 4864384 (VCV004864384.1).